The following is an entry in ClinVar:

NM_005236.3(ERCC4):c.1968A>G (p.Leu656=)

Gene: ERCC4 (ERCC excision repair 4, endonuclease catalytic subunit; plus strand). Cytogenetic location: 16p13.12.
Variant type: single nucleotide variant.
Coding change: c.1968A>G on transcript NM_005236.3 (MANE Select); coding-DNA position 1968, A replaced by G.
Protein change: p.Leu656=; no amino-acid change (leucine 656 retained).
Molecular consequence: synonymous variant.
Genome position (GRCh38, 1-based): chr16:13,944,786, A>G. VCF-style: chr16-13944786-A-G. GRCh37 (hg19) VCF-style: chr16-14038643-A-G.
Identifiers: ClinVar variation 4856899 (VCV004856899.2).

ClinVar aggregate classification (germline): Uncertain significance (1 of 4 stars; one submission).

gnomAD v4.1: 2 of 1,614,098 alleles (0.00012%); highest among the groups gnomAD compares: Middle Eastern, 0.016%; no homozygotes.

Submission:

Dasa
Classification: Uncertain significance. Last evaluated: 2026-03-02. Review status: criteria provided, single submitter. Criteria: DASA Assertion Criteria. Collection method: clinical testing. Allele origin: germline.
Comment: NM_005236.3(ERCC4):c.1968A>G (p.Leu656=) is a synonymous variant predicted not to alter the encoded amino acid sequence. This variant is rare in population databases. The currently available literature and clinical evidence are not sufficient to establish a definitive association between this variant and the reported condition. Therefore, this variant is classified as a variant of uncertain significance.